The following is an entry in ClinVar:

ClinVar aggregate classification (germline): Uncertain significance (1 of 4 stars; one submission).

Conditions:
Hereditary cancer-predisposing syndrome. Also called: Hereditary Cancer Syndrome; Hereditary neoplastic syndrome; Neoplastic Syndromes, Hereditary; Tumor predisposition. Identifiers: Orphanet 140162, MedGen C0027672, MeSH D009386, MONDO:0015356.

Submission:

Ambry Genetics
Classification: Uncertain significance for Hereditary cancer-predisposing syndrome. Last evaluated: 2023-10-04. Review status: criteria provided, single submitter. Criteria: Ambry Variant Classification Scheme 2023. Collection method: clinical testing. Allele origin: germline.
Comment: The p.M438I variant (also known as c.1314G>A), located in coding exon 4 of the MSH6 gene, results from a G to A substitution at nucleotide position 1314. The methionine at codon 438 is replaced by isoleucine, an amino acid with highly similar properties. This amino acid position is highly conserved in available vertebrate species. In addition, this alteration is predicted to be deleterious by in silico analysis. Since supporting evidence is limited at this time, the clinical significance of this alteration remains unclear.

NM_000179.3(MSH6):c.1314G>A (p.Met438Ile)

Gene: MSH6 (mutS homolog 6; plus strand). Cytogenetic location: 2p16.3.
Variant type: single nucleotide variant.
Coding change: c.1314G>A on transcript NM_000179.3 (MANE Select); coding-DNA position 1314, G replaced by A.
Protein change: p.Met438Ile; replaces methionine 438 with isoleucine.
Molecular consequence: missense variant.
Genome position (GRCh38, 1-based): chr2:47,799,297, G>A. VCF-style: chr2-47799297-G-A. GRCh37 (hg19) VCF-style: chr2-48026436-G-A.
Other names: c.1320G>A, p.Met440Ile (NM_001406813.1); c.408G>A, p.Met136Ile (NM_001406814.1, NM_001406815.1, NM_001406816.1 and 6 more transcripts); c.1314G>A, p.Met438Ile (NM_001406817.1, NM_001406796.1, NM_001406798.1 and 4 more transcripts); c.1017G>A, p.Met339Ile (NM_001406818.1, NM_001406819.1, NM_001406820.1 and 10 more transcripts); c.1146G>A, p.Met382Ile (NM_001406826.1); c.924G>A, p.Met308Ile (NM_001281492.2); c.1410G>A, p.Met470Ile (NM_001406795.1, NM_001406802.1); c.789G>A, p.Met263Ile (NM_001406799.1, NM_001406806.1, NM_001406807.1); and 1 more; short protein forms M438I, M440I, M136I, M339I, M382I, M412I, M263I, M470I.
Identifiers: ClinVar variation 1769757 (VCV001769757.2), dbSNP rs2104335612, ClinGen allele CA346744388.
Genomic context (GRCh38, chr2:47,799,297, plus strand): 5'-TCAGAACTTTGATCTTGTCATCTGTTACAAGGTGGGGAAATTTTATGAGCTGTACCACAT[G>A]GATGCTCTTATTGGAGTCAGTGAACTGGGGCTGGTATTCATGAAAGGCAACTGGGCCCAT-3'
Protein context (NP_000170.1, residues 428-448): KVGKFYELYH[Met438Ile]DALIGVSELG